The following is an entry in ClinVar:

NM_001126108.2(SLC12A3):c.2142C>T (p.Ala714=)

Gene: SLC12A3 (solute carrier family 12 member 3; plus strand). Cytogenetic location: 16q13.
Variant type: single nucleotide variant.
Coding change: c.2142C>T on transcript NM_001126108.2 (MANE Select); coding-DNA position 2142, C replaced by T.
Protein change: p.Ala714=; no amino-acid change (alanine 714 retained).
Molecular consequence: synonymous variant.
Genome position (GRCh38, 1-based): chr16:56,887,057, C>T. VCF-style: chr16-56887057-C-T. GRCh37 (hg19) VCF-style: chr16-56920969-C-T.
Other names: p.Ala714=; c.2142C>T, p.Ala714= (NM_000339.3); c.2139C>T, p.Ala713= (NM_001126107.2).
Identifiers: ClinVar variation 255884 (VCV000255884.25), dbSNP rs5803, ClinGen allele CA8069746.

ClinVar aggregate classification (germline): Benign. Review status: criteria provided, multiple submitters, no conflicts (2 of 4 stars). 12 submissions from 12 submitters: Benign (9). 3 of the submissions do not count toward it. Last evaluated 2026-02-04.

Conditions:
Familial hypokalemia-hypomagnesemia (GTLMNS). Also called: gitelman syndrome; POTASSIUM AND MAGNESIUM DEPLETION; HYPOMAGNESEMIA-HYPOKALEMIA, PRIMARY RENOTUBULAR, WITH HYPOCALCIURIA. Identifiers: Orphanet 358, MedGen C0268450, MONDO:0009904, OMIM 263800.

Allele frequency attached by ClinVar (database versions not stated): gnomAD exomes 0.10326 and 0.12871; ESP Exome Variant Server 0.10503; 1000 Genomes Project 0.15296; gnomAD 0.11388 and 0.11671; TOPMed 0.12331; ExAC 0.12371; 1000 Genomes Project 30x 0.15256.
gnomAD v4.1: 169,233 of 1,613,796 alleles (10%); highest among the groups gnomAD compares: East Asian, 25%; 10,144 homozygotes.

Submissions (12):

Labcorp Genetics (formerly Invitae), Labcorp
Classification: Benign. Last evaluated: 2026-02-04. Review status: criteria provided, single submitter. Criteria: Invitae Variant Classification Sherloc (09022015). Collection method: clinical testing. Allele origin: germline.

Blueprint Genetics
Classification: Benign. Last evaluated: 2024-11-27. Review status: criteria provided, single submitter. Criteria: ACMG Guidelines, 2015. Collection method: clinical testing. Allele origin: germline.

Mayo Clinic Laboratories, Mayo Clinic
Classification: Benign. Last evaluated: 2022-03-09. Review status: criteria provided, single submitter. Criteria: ACMG Guidelines, 2015. Collection method: clinical testing. Allele origin: germline. Observed: 30 variant alleles.

Genome-Nilou Lab
Classification: Benign for Familial hypokalemia-hypomagnesemia. Last evaluated: 2021-07-10. Review status: criteria provided, single submitter. Criteria: ACMG Guidelines, 2015. Collection method: clinical testing. Allele origin: germline. Affected: no.

GeneDx
Classification: Benign. Last evaluated: 2019-09-29. Review status: criteria provided, single submitter. Criteria: GeneDx Variant Classification Process June 2021. Collection method: clinical testing. Allele origin: germline. Affected: yes.

Illumina Laboratory Services, Illumina
Classification: Benign for Familial hypokalemia-hypomagnesemia. Last evaluated: 2018-01-12. Review status: criteria provided, single submitter. Criteria: ICSL Variant Classification Criteria 13 December 2019. Collection method: clinical testing. Allele origin: germline.
Comment: This variant was observed in the ICSL laboratory as part of a predisposition screen in an ostensibly healthy population. It had not been previously curated by ICSL or reported in the Human Gene Mutation Database (HGMD: prior to June 1st, 2018), and was therefore a candidate for classification through an automated scoring system. Utilizing variant allele frequency, disease prevalence and penetrance estimates, and inheritance mode, an automated score was calculated to assess if this variant is too frequent to cause the disease. Based on the score and internal cut-off values, a variant classified as benign is not then subjected to further curation. The score for this variant resulted in a classification of benign for this disease.

Athena Diagnostics
Classification: Benign for Familial hypokalemia-hypomagnesemia. Last evaluated: 2017-06-29. Review status: criteria provided, single submitter. Criteria: Athena Diagnostics Criteria. Collection method: clinical testing. Allele origin: germline.

Breakthrough Genomics
Classification: Benign. Review status: criteria provided, single submitter. Criteria: ACMG Guidelines, 2015. Collection method: not provided. Allele origin: germline. Inheritance: Autosomal recessive inheritance. Affected: yes.

PreventionGenetics, part of Exact Sciences
Classification: Benign. Review status: criteria provided, single submitter. Criteria: ACMG Guidelines, 2015. Collection method: clinical testing. Allele origin: germline.

Natera, Inc.
Classification: Benign for Gitelman syndrome. Last evaluated: 2020-09-16. Review status: no assertion criteria provided. Collection method: clinical testing. Allele origin: germline. Not counted in ClinVar's aggregate classification.

Genome Diagnostics Laboratory, University Medical Center Utrecht
Classification: Benign. Review status: no assertion criteria provided. Collection method: clinical testing. Allele origin: germline. Affected: yes. Study: VKGL Data-share Consensus. Not counted in ClinVar's aggregate classification.

Joint Genome Diagnostic Labs from Nijmegen and Maastricht, Radboudumc and MUMC+
Classification: Benign. Review status: no assertion criteria provided. Collection method: clinical testing. Allele origin: germline. Affected: yes. Study: VKGL Data-share Consensus. Not counted in ClinVar's aggregate classification.